The following is an entry in ClinVar:

ClinVar aggregate classification (germline): Uncertain significance (1 of 4 stars; one submission).

Allele frequency attached by ClinVar (database versions not stated): TOPMed 0.00001; ExAC 0.00002.
gnomAD v4.1: 7 of 1,614,194 alleles (0.00043%); highest among the groups gnomAD compares: Admixed American, 0.012%; no homozygotes.

Submission:

Labcorp Genetics (formerly Invitae), Labcorp
Classification: Uncertain significance. Last evaluated: 2023-06-14. Review status: criteria provided, single submitter. Criteria: Invitae Variant Classification Sherloc (09022015). Collection method: clinical testing. Allele origin: germline.
Comment: This variant has not been reported in the literature in individuals affected with CXCR2-related conditions. Algorithms developed to predict the effect of missense changes on protein structure and function output the following: SIFT: "Not Available"; PolyPhen-2: "Benign"; Align-GVGD: "Not Available". The valine amino acid residue is found in multiple mammalian species, which suggests that this missense change does not adversely affect protein function. In summary, the available evidence is currently insufficient to determine the role of this variant in disease. Therefore, it has been classified as a Variant of Uncertain Significance. This variant is present in population databases (rs774626680, gnomAD 0.01%). This sequence change replaces methionine, which is neutral and non-polar, with valine, which is neutral and non-polar, at codon 209 of the CXCR2 protein (p.Met209Val).

NM_001557.4(CXCR2):c.625A>G (p.Met209Val)

Gene: CXCR2 (C-X-C motif chemokine receptor 2; plus strand). Cytogenetic location: 2q35.
Variant type: single nucleotide variant.
Coding change: c.625A>G on transcript NM_001557.4 (MANE Select); coding-DNA position 625, A replaced by G.
Protein change: p.Met209Val; replaces methionine 209 with valine.
Molecular consequence: missense variant.
Genome position (GRCh38, 1-based): chr2:218,135,426, A>G. VCF-style: chr2-218135426-A-G. GRCh37 (hg19) VCF-style: chr2-219000149-A-G.
Other names: c.625A>G, p.Met209Val (NM_001168298.2); short protein forms M209V.
Identifiers: ClinVar variation 3010091 (VCV003010091.3), dbSNP rs774626680, ClinGen allele CA2101740.